The following is an entry in ClinVar:

NM_004036.5(ADCY3):c.2055+1G>C

Gene: ADCY3 (adenylate cyclase 3; minus strand). Cytogenetic location: 2p23.3.
Variant type: single nucleotide variant.
Coding change: c.2055+1G>C on transcript NM_004036.5 (MANE Select); the canonical splice donor site of the intron after coding-DNA position 2055, G replaced by C.
Molecular consequence: splice donor variant.
Genome position (GRCh38, 1-based): chr2:24,831,661, C>G on the plus strand (G>C on the coding strand, the complement: ADCY3 is on the minus strand). VCF-style: chr2-24831661-C-G. GRCh37 (hg19) VCF-style: chr2-25054530-C-G.
Other names: c.2055+1G>C (NM_001377130.1, NM_001377129.1, NM_001320613.2 and 1 more transcripts); c.2121+1G>C (NM_001377128.1); c.1332+1G>C (NM_001377131.1).
Identifiers: ClinVar variation 3354510 (VCV003354510.1).

ClinVar aggregate classification (germline): Likely pathogenic (0 of 4 stars; one submission).

Conditions:
ADCY3-related disorder. Also called: ADCY3-related condition.

gnomAD v4.1: 2 of 1,613,410 alleles (0.00012%); highest among the groups gnomAD compares: Non-Finnish European, 0.00017%; no homozygotes.

Submission:

PreventionGenetics, part of Exact Sciences
Classification: Likely pathogenic for ADCY3-related condition. Last evaluated: 2024-02-08. Review status: no assertion criteria provided. Collection method: clinical testing. Allele origin: germline.
Comment: The ADCY3 c.2055+1G>C variant is predicted to disrupt the GT donor site and interfere with normal splicing. To our knowledge, this variant has not been reported in the literature or in a large population database, indicating this variant is rare. However, loss-of-function and splicing variants in ADCY3 have been reported in individuals with autosomal recessive severe obesity (Saeed et al. 2018. PubMed ID: 29311637; Grarup et al. 2018. PubMed ID: 29311636). This variant is interpreted as likely pathogenic.